The following is an entry in ClinVar:

ClinVar aggregate classification (germline): Likely pathogenic (1 of 4 stars; one submission).

Conditions:
Usher syndrome type 1 (USH1). Also called: RETINITIS PIGMENTOSA AND CONGENITAL DEAFNESS. Identifiers: Orphanet 231169, Orphanet 886, MedGen C1568247, MONDO:0010168, OMIM 276900.

Submission:

Myriad Genetics, Inc.
Classification: Likely pathogenic for Usher syndrome type 1. Last evaluated: 2025-06-17. Review status: criteria provided, single submitter. Criteria: Myriad Autosomal Dominant, Autosomal Recessive and X-Linked Classification Criteria (2023). Collection method: clinical testing. Allele origin: unknown.
Comment: NM_000260.3(MYO7A):c.2282+1G>T is a variant in a canonical splice site classified as likely pathogenic in the context of MYO7A-related disorders. c.2282+1G>T has not been observed in cases with relevant disease. Relevant functional assessments of this variant are not available in the literature. c.2282+1G>T has not been observed in referenced population frequency databases. In summary, NM_000260.3(MYO7A):c.2282+1G>T is a variant in a canonical splice site in a gene where loss of function is a known mechanism of disease and is predicted to disrupt protein function. Please note: this variant was assessed in the context of healthy population screening.

NM_000260.4(MYO7A):c.2282+1G>T

Gene: MYO7A (myosin VIIA; plus strand). Cytogenetic location: 11q13.5.
Variant type: single nucleotide variant.
Coding change: c.2282+1G>T on transcript NM_000260.4 (MANE Select); the canonical splice donor site of the intron after coding-DNA position 2282, G replaced by T.
Molecular consequence: splice donor variant.
Genome position (GRCh38, 1-based): chr11:77,177,644, G>T. VCF-style: chr11-77177644-G-T. GRCh37 (hg19) VCF-style: chr11-76888690-G-T.
Other names: c.2249+1G>T (NM_001369365.1); c.2282+1G>T (NM_001127180.2).
Identifiers: ClinVar variation 4081745 (VCV004081745.1).